The following is an entry in ClinVar:

NM_001101362.3(KBTBD13):c.436C>G (p.Arg146Gly)

Gene: KBTBD13 (kelch repeat and BTB domain containing 13; plus strand). Cytogenetic location: 15q22.31.
Variant type: single nucleotide variant.
Coding change: c.436C>G on transcript NM_001101362.3 (MANE Select); coding-DNA position 436, C replaced by G.
Protein change: p.Arg146Gly; replaces arginine 146 with glycine.
Molecular consequence: missense variant.
Genome position (GRCh38, 1-based): chr15:65,077,251, C>G. VCF-style: chr15-65077251-C-G. GRCh37 (hg19) VCF-style: chr15-65369589-C-G.
Other names: short protein forms R146G.
Identifiers: ClinVar variation 3706552 (VCV003706552.2).

ClinVar aggregate classification (germline): Uncertain significance (1 of 4 stars; one submission).

Conditions:
Nemaline myopathy 6 (NEM6). Also called: Nemaline myopathy 6, autosomal dominant. Identifiers: Orphanet 171439, MedGen C1836472, MONDO:0012237, OMIM 609273.

Submission:

Labcorp Genetics (formerly Invitae), Labcorp
Classification: Uncertain significance for Nemaline myopathy 6. Last evaluated: 2024-08-06. Review status: criteria provided, single submitter. Criteria: Invitae Variant Classification Sherloc (09022015). Collection method: clinical testing. Allele origin: germline.
Comment: This sequence change replaces arginine, which is basic and polar, with glycine, which is neutral and non-polar, at codon 146 of the KBTBD13 protein (p.Arg146Gly). This variant is present in population databases (no rsID available, gnomAD 0.006%). This variant has not been reported in the literature in individuals affected with KBTBD13-related conditions. Advanced modeling of protein sequence and biophysical properties (such as structural, functional, and spatial information, amino acid conservation, physicochemical variation, residue mobility, and thermodynamic stability) performed at Invitae indicates that this missense variant is not expected to disrupt KBTBD13 protein function with a negative predictive value of 80%. In summary, the available evidence is currently insufficient to determine the role of this variant in disease. Therefore, it has been classified as a Variant of Uncertain Significance.